The following is an entry in ClinVar:

NM_016648.4(LARP7):c.960C>T (p.Ile320=)

Genes: LARP7 (La ribonucleoprotein 7, transcriptional regulator; plus strand), MIR302CHG (miR-302/367 cluster host gene; minus strand). Cytogenetic location: 4q25.
Variant type: single nucleotide variant.
Coding change: c.960C>T on transcript NM_016648.4 (MANE Select); coding-DNA position 960, C replaced by T.
Protein change: p.Ile320=; no amino-acid change (isoleucine 320 retained).
Molecular consequence: synonymous variant.
Genome position (GRCh38, 1-based): chr4:112,647,512, C>T. VCF-style: chr4-112647512-C-T. GRCh37 (hg19) VCF-style: chr4-113568668-C-T.
Other names: c.960C>T, p.Ile320= (NM_001267039.4, NM_001370974.1, NM_001370975.1 and 2 more transcripts); c.957C>T, p.Ile319= (NM_001370976.1, NM_001370977.1, NM_001370979.1 and 1 more transcripts); c.723C>T, p.Ile241= (NM_001370981.1, NM_001370982.1).
Identifiers: ClinVar variation 2413630 (VCV002413630.29), dbSNP rs757156044, ClinGen allele CA3049309.

ClinVar aggregate classification (germline): Likely benign. Review status: criteria provided, multiple submitters, no conflicts (2 of 4 stars). 2 submissions from 2 submitters: Likely benign (2). Last evaluated 2025-04-23.

Allele frequency attached by ClinVar (database versions not stated): gnomAD 0.00003; TOPMed 0.00003.
gnomAD v4.1: 70 of 1,612,200 alleles (0.0043%); highest among the groups gnomAD compares: Middle Eastern, 0.016%; no homozygotes.

Submissions (2):

Labcorp Genetics (formerly Invitae), Labcorp
Classification: Likely benign. Last evaluated: 2025-04-23. Review status: criteria provided, single submitter. Criteria: Invitae Variant Classification Sherloc (09022015). Collection method: clinical testing. Allele origin: germline.

CeGaT Center for Human Genetics Tuebingen
Classification: Likely benign. Last evaluated: 2022-10-01. Review status: criteria provided, single submitter. Criteria: CeGaT Center For Human Genetics Tuebingen Variant Classification Criteria Version 2. Collection method: clinical testing. Allele origin: germline. Affected: yes. Observed: 2 variant alleles.
Comment: LARP7: BP4, BP7